The following is an entry in ClinVar:

ClinVar aggregate classification (germline): Uncertain significance (1 of 4 stars; one submission).

Conditions:
Hereditary spastic paraplegia 15 (SPG15). Also called: SPASTIC PARAPLEGIA 15, AUTOSOMAL RECESSIVE; KJELLIN SYNDROME; SPASTIC PARAPLEGIA AND RETINAL DEGENERATION. Identifiers: Orphanet 100996, MedGen C1849128, MONDO:0010044, OMIM 270700.

Submission:

Myriad Genetics, Inc.
Classification: Uncertain significance for Hereditary spastic paraplegia 15. Last evaluated: 2026-07-10. Review status: criteria provided, single submitter. Criteria: Myriad Autosomal Dominant, Autosomal Recessive and X-Linked Classification Criteria (2023). Collection method: clinical testing. Allele origin: unknown.
Comment: NM_015346.3(ZFYVE26):c.4373-1G>C is a variant in a canonical splice site classified as a variant of uncertain significance in the context of spastic paraplegia type 15. c.4373-1G>C has not been observed in cases with relevant disease. Relevant functional assessments of this variant are not available in the literature. c.4373-1G>C has not been observed in referenced population frequency databases. In summary, there is insufficient evidence to classify NM_015346.3(ZFYVE26):c.4373-1G>C as pathogenic or benign. Please note: this variant was assessed in the context of healthy population screening.

NM_015346.4(ZFYVE26):c.4373-1G>C

Gene: ZFYVE26 (zinc finger FYVE-type containing 26; minus strand). Cytogenetic location: 14q24.1.
Variant type: single nucleotide variant.
Coding change: c.4373-1G>C on transcript NM_015346.4 (MANE Select); the canonical splice acceptor site of the intron before coding-DNA position 4373, G replaced by C.
Molecular consequence: splice acceptor variant.
Genome position (GRCh38, 1-based): chr14:67,781,530, C>G on the plus strand (G>C on the coding strand, the complement: ZFYVE26 is on the minus strand). VCF-style: chr14-67781530-C-G. GRCh37 (hg19) VCF-style: chr14-68248247-C-G.
Identifiers: ClinVar variation 5004784 (VCV005004784.1).